The following is an entry in ClinVar:

NM_014714.4(IFT140):c.526G>A (p.Gly176Ser)

Genes: IFT140 (intraflagellar transport 140; minus strand), LOC105371046 (uncharacterized LOC105371046; plus strand). Cytogenetic location: 16p13.3.
Variant type: single nucleotide variant.
Coding change: c.526G>A on transcript NM_014714.4 (MANE Select); coding-DNA position 526, G replaced by A.
Protein change: p.Gly176Ser; replaces glycine 176 with serine.
Molecular consequence: missense variant.
Genome position (GRCh38, 1-based): chr16:1,592,284, C>T on the plus strand (G>A on the coding strand, the complement: IFT140 is on the minus strand). VCF-style: chr16-1592284-C-T. GRCh37 (hg19) VCF-style: chr16-1642285-C-T.
Other names: c.526G>A (NM_014714.3); short protein forms G176S.
Identifiers: ClinVar variation 1366568 (VCV001366568.10), dbSNP rs201849591, ClinGen allele CA7814664.

ClinVar aggregate classification (germline): Uncertain significance. Review status: criteria provided, multiple submitters, no conflicts (2 of 4 stars). 6 submissions from 6 submitters: Uncertain significance (5). 1 of the submissions does not count toward it. Last evaluated 2026-03-18.

Conditions:
IFT140-related disorder. Also called: IFT140-related condition.
Saldino-Mainzer syndrome (SRTD9). Also called: Renal dysplasia, retinal pigmentary dystrophy, cerebellar ataxia and skeletal dysplasia; short-rib thoracic dysplasia 9 with or without polydactyly; SHORT-RIB THORACIC DYSPLASIA 9 WITHOUT POLYDACTYLY; CONORENAL SYNDROME. Identifiers: Orphanet 140969, MedGen C1849437, MONDO:0009964, OMIM 266920.
Retinal dystrophy. Also called: Inherited retinal dystrophy. Identifiers: Orphanet 71862, MedGen C0854723, MeSH D058499, MONDO:0019118, HP:0000556.

Allele frequency attached by ClinVar (database versions not stated): gnomAD exomes 0.00002 and 0.00004; gnomAD 0.00004; ExAC 0.00005; ESP Exome Variant Server 0.00008; 1000 Genomes Project 30x 0.00016; 1000 Genomes Project 0.00020.
gnomAD v4.1: 68 of 1,614,170 alleles (0.0042%); highest among the groups gnomAD compares: East Asian, 0.0067%; 1 homozygote.

Submissions (6):

PreventionGenetics, part of Exact Sciences
Classification: Uncertain significance for IFT140-related condition. Last evaluated: 2026-03-18. Review status: criteria provided, single submitter. Criteria: ACMG Guidelines, 2015. Collection method: clinical testing. Allele origin: germline.
Comment: The IFT140 c.526G>A variant is predicted to result in the amino acid substitution p.Gly176Ser. To our knowledge, this variant has not been reported in the literature. This variant is reported in 0.0050% of alleles in individuals of East Asian descent in gnomAD. At this time, the clinical significance of this variant is uncertain due to the absence of conclusive functional and genetic evidence.

Labcorp Genetics (formerly Invitae), Labcorp
Classification: Uncertain significance for Saldino-Mainzer syndrome. Last evaluated: 2024-11-05. Review status: criteria provided, single submitter. Criteria: Invitae Variant Classification Sherloc (09022015). Collection method: clinical testing. Allele origin: germline.
Comment: This sequence change replaces glycine, which is neutral and non-polar, with serine, which is neutral and polar, at codon 176 of the IFT140 protein (p.Gly176Ser). This variant is present in population databases (rs201849591, gnomAD 0.004%). This variant has not been reported in the literature in individuals affected with IFT140-related conditions. ClinVar contains an entry for this variant (Variation ID: 1366568). Invitae Evidence Modeling of protein sequence and biophysical properties (such as structural, functional, and spatial information, amino acid conservation, physicochemical variation, residue mobility, and thermodynamic stability) has been performed for this missense variant. However, the output from this modeling did not meet the statistical confidence thresholds required to predict the impact of this variant on IFT140 protein function. In summary, the available evidence is currently insufficient to determine the role of this variant in disease. Therefore, it has been classified as a Variant of Uncertain Significance.

Blueprint Genetics
Classification: Uncertain significance. Last evaluated: 2024-10-21. Review status: criteria provided, single submitter. Criteria: ACMG Guidelines, 2015. Collection method: clinical testing. Allele origin: germline.

GeneDx
Classification: Uncertain significance. Last evaluated: 2024-09-11. Review status: criteria provided, single submitter. Criteria: GeneDx Variant Classification Process June 2021. Collection method: clinical testing. Allele origin: germline. Affected: yes.
Comment: In silico analysis supports that this missense variant has a deleterious effect on protein structure/function; Has not been previously published as pathogenic or benign to our knowledge

Dept Of Ophthalmology, Nagoya University
Classification: Uncertain significance for Retinal dystrophy. Last evaluated: 2023-10-01. Review status: criteria provided, single submitter. Criteria: Submitter's publication. Collection method: research. Allele origin: germline. Affected: yes.

Institute of Human Genetics, Univ. Regensburg, Univ. Regensburg
Classification: Uncertain significance for Retinal dystrophy. Last evaluated: 2016-01-01. Review status: no assertion criteria provided. Criteria: ACMG Guidelines, 2015. Collection method: clinical testing. Allele origin: germline. Affected: yes. Not counted in ClinVar's aggregate classification.